The following is an entry in ClinVar:

NM_000178.4(GSS):c.1227C>A (p.Cys409Ter)

Gene: GSS (glutathione synthetase; minus strand). Cytogenetic location: 20q11.22.
Variant type: single nucleotide variant.
Coding change: c.1227C>A on transcript NM_000178.4 (MANE Select); coding-DNA position 1227, C replaced by A.
Protein change: p.Cys409Ter; replaces cysteine 409 with a stop codon.
Molecular consequence: nonsense.
Genome position (GRCh38, 1-based): chr20:34,929,475, G>T on the plus strand (C>A on the coding strand, the complement: GSS is on the minus strand). VCF-style: chr20-34929475-G-T. GRCh37 (hg19) VCF-style: chr20-33517278-G-T.
Other names: c.1227C>A, p.Cys409Ter (NM_001322494.1, NM_001322495.1); short protein forms C409*.
Identifiers: ClinVar variation 3587203 (VCV003587203.3), dbSNP rs2081381650.

ClinVar aggregate classification (germline): Pathogenic/Likely pathogenic. Review status: criteria provided, multiple submitters, no conflicts (2 of 4 stars). 2 submissions from 2 submitters: Pathogenic (1); Likely pathogenic (1). Last evaluated 2024-05-10.

Conditions:
Glutathione synthetase deficiency with 5-oxoprolinuria. Also called: PYROGLUTAMIC ACIDURIA; 5-Oxoprolinuria; Reduced glutathione synthetase level; Gluthathione synthetase deficiency; 5-OXOPROLINURIA DUE TO GLUTATHIONE SYNTHETASE DEFICIENCY. Identifiers: Orphanet 289846, MedGen C0398746, MONDO:0009947, OMIM 266130, HP:0003343.
Glutathione synthetase deficiency without 5-oxoprolinuria. Also called: ANEMIA, CONGENITAL, NONSPHEROCYTIC HEMOLYTIC, 6. Identifiers: Orphanet 289849, Orphanet 32, MedGen C1856399, MONDO:0009284, OMIM 231900.

Submissions (2):

Fulgent Genetics
Classification: Likely pathogenic for Glutathione synthetase deficiency without 5-oxoprolinuria; Glutathione synthetase deficiency with 5-oxoprolinuria. Last evaluated: 2024-05-10. Review status: criteria provided, single submitter. Criteria: ACMG Guidelines, 2015. Collection method: clinical testing. Allele origin: germline.

Labcorp Genetics (formerly Invitae), Labcorp
Classification: Pathogenic for Glutathione synthetase deficiency with 5-oxoprolinuria. Last evaluated: 2024-02-16. Review status: criteria provided, single submitter. Criteria: Invitae Variant Classification Sherloc (09022015). Collection method: clinical testing. Allele origin: germline.
Comment: This sequence change creates a premature translational stop signal (p.Cys409*) in the GSS gene. It is expected to result in an absent or disrupted protein product. Loss-of-function variants in GSS are known to be pathogenic (PMID: 12638941, 15717202). This variant is not present in population databases (gnomAD no frequency). This variant has not been reported in the literature in individuals affected with GSS-related conditions. For these reasons, this variant has been classified as Pathogenic.

Literature cited by the submitters: PubMed 12638941 (cited by Labcorp Genetics (formerly Invitae), Labcorp); PubMed 15717202 (cited by Labcorp Genetics (formerly Invitae), Labcorp).